The following is an entry in ClinVar:

ClinVar aggregate classification (germline): Pathogenic (1 of 4 stars; one submission).

Submission:

Labcorp Genetics (formerly Invitae), Labcorp
Classification: Pathogenic. Last evaluated: 2025-07-20. Review status: criteria provided, single submitter. Criteria: Invitae Variant Classification Sherloc (09022015). Collection method: clinical testing. Allele origin: germline.
Comment: This sequence change creates a premature translational stop signal (p.Pro131Alafs*14) in the CARMIL2 gene. It is expected to result in an absent or disrupted protein product. Loss-of-function variants in CARMIL2 are known to be pathogenic (PMID: 27647349, 28112205). This variant is not present in population databases (gnomAD no frequency). This variant has not been reported in the literature in individuals affected with CARMIL2-related conditions. For these reasons, this variant has been classified as Pathogenic.

Literature cited by the submitters: PubMed 27647349; PubMed 28112205.

NM_001013838.3(CARMIL2):c.391_407del (p.Pro131fs)

Gene: CARMIL2 (capping protein regulator and myosin 1 linker 2; plus strand). Cytogenetic location: 16q22.1.
Variant type: Deletion.
Coding change: c.391_407del on transcript NM_001013838.3 (MANE Select); coding-DNA positions 391 to 407, 17 bases deleted (CCCACACCAGCCTCCAT).
Protein change: p.Pro131fs; shifts the reading frame from proline 131.
Molecular consequence: frameshift variant.
Genome position (GRCh38, 1-based): chr16:67,646,442-67,646,458, CCCACACCAGCCTCCAT deleted. VCF-style (leftmost placement, unchanged base first): chr16-67646441-GCCCACACCAGCCTCCAT-G. GRCh37 (hg19) VCF-style: chr16-67680344-GCCCACACCAGCCTCCAT-G.
Other names: c.391_407del, p.Pro131fs (NM_001317026.3, NM_001438244.1, NM_001438835.1); short protein forms P131fs.
Identifiers: ClinVar variation 4716712 (VCV004716712.1).
Genomic context (GRCh38, chr16:67,646,441, plus strand): 5'-AGAGGCTGGAAGTCCTTTGCCCCCTTCTCCTTAACCCCCTACCAGGAAGCTATTCCGGAG[GCCCACACCAGCCTCCAT>G]GCTGGCTCGGCTGGAGAGAAGCAGCCCCTCGGAGTCCACTGACCCCTGCAGCCCCTGTGG-3'